The following is an entry in ClinVar:

NM_001024845.3(SLC6A9):c.290G>A (p.Gly97Glu)

Gene: SLC6A9 (solute carrier family 6 member 9; minus strand). Cytogenetic location: 1p34.1.
Variant type: single nucleotide variant.
Coding change: c.290G>A on transcript NM_001024845.3 (MANE Select); coding-DNA position 290, G replaced by A.
Protein change: p.Gly97Glu; replaces glycine 97 with glutamic acid.
Molecular consequence: missense variant. On other transcripts: non-coding transcript variant (1), intron variant (3).
Genome position (GRCh38, 1-based): chr1:44,009,994, C>T on the plus strand (G>A on the coding strand, the complement: SLC6A9 is on the minus strand). VCF-style: chr1-44009994-C-T. GRCh37 (hg19) VCF-style: chr1-44475666-C-T.
Other names: c.509G>A (NM_201649.2); c.302G>A, p.Gly101Glu (NM_001261380.2); c.227G>A, p.Gly76Glu (NM_001328627.1); c.290G>A, p.Gly97Glu (NM_001328629.1); c.347G>A, p.Gly116Glu (NM_006934.4); c.509G>A, p.Gly170Glu (NM_201649.4); c.-14-1371G>A (NM_001328630.2, NM_001328626.2); c.125-1371G>A (NM_001328628.1); short protein forms G170E, G97E, G101E, G116E, G76E.
Identifiers: ClinVar variation 446105 (VCV000446105.3), dbSNP rs201267211, ClinGen allele CA817851.
Genomic context (GRCh38, chr1:44,009,994, plus strand): 5'-TGTGTGAGCGAGTGCCCCGCCCAGGCCTCACCTTTGAACATGGGGCTGATCCTCCAGACC[C>T]CCAGGCACCCCTGGCTTGCAAACTGGCCGAAGGAGAGCTCCATGAAGAAGAGGGGGATCC-3'
Protein context (NP_001020016.1, residues 87-107): FGQFASQGCL[Gly97Glu]VWRISPMFKG

ClinVar aggregate classification (germline): Conflicting classifications of pathogenicity. Review status: criteria provided, conflicting classifications (1 of 4 stars). 2 submissions from 2 submitters: Likely pathogenic (1); Uncertain significance (1). Last evaluated 2025-08-15.

Conditions:
Inborn genetic diseases. Identifiers: MedGen C0950123, MeSH D030342.

Allele frequency attached by ClinVar (database versions not stated): gnomAD exomes below 0.00001; ExAC 0.00001; gnomAD 0.00001; TOPMed 0.00001.
gnomAD v4.1: 5 of 1,613,968 alleles (0.00031%); highest among the groups gnomAD compares: African/African-American, 0.0027%; no homozygotes.

Submissions (2):

Ambry Genetics
Classification: Uncertain significance for Inborn genetic diseases. Last evaluated: 2025-08-15. Review status: criteria provided, single submitter. Criteria: Ambry Variant Classification Scheme 2023. Collection method: clinical testing. Allele origin: germline.

GeneDx
Classification: Likely pathogenic. Last evaluated: 2017-10-31. Review status: criteria provided, single submitter. Criteria: GeneDx Variant Classification (06012015). Collection method: clinical testing. Allele origin: germline. Affected: yes.
Comment: The G170E variant in the SLC6A9 gene has not been reported previously as a pathogenic variant, nor as a benign variant, to our knowledge. The G170E variant is not observed at a significant frequency in large population cohorts (Lek et al., 2016). The G170E variant is a nonconservative amino acid substitution, which is likely to impact secondary protein structure as these residues differ in polarity, charge, size and/or other properties. This substitution occurs at a position that is conserved across species. In silico analysis is inconsistent in its predictions as to whether or not the variant is damaging to the protein structure/function. We interpret G170E as a likely pathogenic variant.